The following is an entry in ClinVar:

ClinVar aggregate classification (germline): Uncertain significance (1 of 4 stars; one submission).

Submission:

Labcorp Genetics (formerly Invitae), Labcorp
Classification: Uncertain significance. Last evaluated: 2022-08-31. Review status: criteria provided, single submitter. Criteria: Invitae Variant Classification Sherloc (09022015). Collection method: clinical testing. Allele origin: germline.
Comment: This sequence change replaces serine, which is neutral and polar, with cysteine, which is neutral and slightly polar, at codon 59 of the PNPT1 protein (p.Ser59Cys). This variant is not present in population databases (gnomAD no frequency). This variant has not been reported in the literature in individuals affected with PNPT1-related conditions. Advanced modeling of protein sequence and biophysical properties (such as structural, functional, and spatial information, amino acid conservation, physicochemical variation, residue mobility, and thermodynamic stability) performed at Invitae indicates that this missense variant is expected to disrupt PNPT1 protein function. In summary, the available evidence is currently insufficient to determine the role of this variant in disease. Therefore, it has been classified as a Variant of Uncertain Significance.

NM_033109.5(PNPT1):c.176C>G (p.Ser59Cys)

Gene: PNPT1 (polyribonucleotide nucleotidyltransferase 1; minus strand). Cytogenetic location: 2p16.1.
Variant type: single nucleotide variant.
Coding change: c.176C>G on transcript NM_033109.5 (MANE Select); coding-DNA position 176, C replaced by G.
Protein change: p.Ser59Cys; replaces serine 59 with cysteine.
Molecular consequence: missense variant.
Genome position (GRCh38, 1-based): chr2:55,687,691, G>C on the plus strand (C>G on the coding strand, the complement: PNPT1 is on the minus strand). VCF-style: chr2-55687691-G-C. GRCh37 (hg19) VCF-style: chr2-55914826-G-C.
Other names: short protein forms S59C.
Identifiers: ClinVar variation 1994551 (VCV001994551.4), dbSNP rs951087523, ClinGen allele CA346943247.